The following is an entry in ClinVar:

ClinVar aggregate classification (germline): Conflicting classifications of pathogenicity. Review status: criteria provided, conflicting classifications (1 of 4 stars). 5 submissions from 5 submitters: Uncertain significance (1); Likely benign (3). 1 of the submissions does not count toward it. Last evaluated 2026-02-01.

Conditions:
Charcot-Marie-Tooth disease type 4. Also called: Charcot-Marie-Tooth disease, type IV; Charcot-Marie-Tooth, Type 4. Identifiers: Orphanet 64749, MedGen C4082197, MONDO:0018995.
FIG4-related disorder. Also called: FIG4-related condition; FIG4-related disorders.
Charcot-Marie-Tooth disease. Also called: Charcot-Marie-Tooth Hereditary Neuropathy; Charcot-Marie-Tooth Neuropathy. Identifiers: Orphanet 166, MedGen C0007959, MONDO:0015626.

Allele frequency attached by ClinVar (database versions not stated): gnomAD 0.00005 and 0.00006; TOPMed 0.00005; gnomAD exomes 0.00010 and 0.00011; ExAC 0.00012.
gnomAD v4.1: 169 of 1,613,270 alleles (0.01%); highest among the groups gnomAD compares: Middle Eastern, 0.049%; no homozygotes.

Submissions (5):

Labcorp Genetics (formerly Invitae), Labcorp
Classification: Likely benign for Charcot-Marie-Tooth disease type 4. Last evaluated: 2026-02-01. Review status: criteria provided, single submitter. Criteria: Invitae Variant Classification Sherloc (09022015). Collection method: clinical testing. Allele origin: germline.

Blueprint Genetics
Classification: Likely benign. Last evaluated: 2024-08-19. Review status: criteria provided, single submitter. Criteria: ACMG Guidelines, 2015. Collection method: clinical testing. Allele origin: germline.

CeGaT Center for Human Genetics Tuebingen
Classification: Uncertain significance. Last evaluated: 2016-07-01. Review status: criteria provided, single submitter. Criteria: CeGaT Center For Human Genetics Tuebingen Variant Classification Criteria Version 2. Collection method: clinical testing. Allele origin: germline. Affected: yes. Observed: 1 variant allele.

Molecular Genetics Laboratory, London Health Sciences Centre
Classification: Likely benign for Charcot-Marie-Tooth disease. Review status: criteria provided, single submitter. Criteria: ACMG Guidelines, 2015. Collection method: clinical testing. Allele origin: germline. Affected: yes.

PreventionGenetics, part of Exact Sciences
Classification: Likely benign for FIG4-related condition. Last evaluated: 2024-08-26. Review status: no assertion criteria provided. Collection method: clinical testing. Allele origin: germline. Not counted in ClinVar's aggregate classification.
Comment: This variant is classified as likely benign based on ACMG/AMP sequence variant interpretation guidelines (Richards et al. 2015 PMID: 25741868, with internal and published modifications).

NM_014845.6(FIG4):c.2154A>G (p.Pro718=)

Gene: FIG4 (FIG4 phosphoinositide 5-phosphatase; plus strand). Cytogenetic location: 6q21.
Variant type: single nucleotide variant.
Coding change: c.2154A>G on transcript NM_014845.6 (MANE Select); coding-DNA position 2154, A replaced by G.
Protein change: p.Pro718=; no amino-acid change (proline 718 retained).
Molecular consequence: synonymous variant.
Genome position (GRCh38, 1-based): chr6:109,789,651, A>G. VCF-style: chr6-109789651-A-G. GRCh37 (hg19) VCF-style: chr6-110110854-A-G.
Identifiers: ClinVar variation 476855 (VCV000476855.54), dbSNP rs201138266, ClinGen allele CA3956300.
Genomic context (GRCh38, chr6:109,789,651, plus strand): 5'-TAGTGACTTTATGCCTAAGACCGTTGGAATTGATCCAAGTCCATTTACTGTGCGTAAACC[A>G]GATGAAACTGGAAAATCAGTATTGGGGTAAGATTTGTGTATAGAACGAAACTTTAAAGAT-3'
Protein context (NP_055660.1, residues 708-728): IDPSPFTVRK[Pro718=]DETGKSVLGN